The following is an entry in ClinVar:

NM_022051.3(EGLN1):c.1264G>T (p.Gly422Cys)

Gene: EGLN1 (egl-9 family hypoxia inducible factor 1; minus strand). Cytogenetic location: 1q42.2.
Variant type: single nucleotide variant.
Coding change: c.1264G>T on transcript NM_022051.3 (MANE Select); coding-DNA position 1264, G replaced by T.
Protein change: p.Gly422Cys; replaces glycine 422 with cysteine.
Molecular consequence: missense variant. On other transcripts: 3 prime UTR variant (2).
Genome position (GRCh38, 1-based): chr1:231,366,428, C>A on the plus strand (G>T on the coding strand, the complement: EGLN1 is on the minus strand). VCF-style: chr1-231366428-C-A. GRCh37 (hg19) VCF-style: chr1-231502174-C-A.
Other names: c.*44G>T (NM_001377260.1); c.*89G>T (NM_001377261.1); short protein forms G422C.
Identifiers: ClinVar variation 1763923 (VCV001763923.2), dbSNP rs753505082, ClinGen allele CA345238288.

ClinVar aggregate classification (germline): Uncertain significance (1 of 4 stars; one submission).

Submission:

Ambry Genetics
Classification: Uncertain significance. Last evaluated: 2021-06-10. Review status: criteria provided, single submitter. Criteria: Ambry Variant Classification Scheme 2023. Collection method: clinical testing. Allele origin: germline.
Comment: The p.G422C variant (also known as c.1264G>T), located in coding exon 5 of the EGLN1 gene, results from a G to T substitution at nucleotide position 1264. The glycine at codon 422 is replaced by cysteine, an amino acid with highly dissimilar properties. This amino acid position is conserved. In addition, this alteration is predicted to be tolerated by in silico analysis. Since supporting evidence is limited at this time, the clinical significance of this alteration remains unclear.